The following is an entry in ClinVar:

NM_001145809.2(MYH14):c.3941G>A (p.Arg1314His)

Gene: MYH14 (myosin heavy chain 14; plus strand). Cytogenetic location: 19q13.33.
Variant type: single nucleotide variant.
Coding change: c.3941G>A on transcript NM_001145809.2 (MANE Select); coding-DNA position 3941, G replaced by A.
Protein change: p.Arg1314His; replaces arginine 1314 with histidine.
Molecular consequence: missense variant.
Genome position (GRCh38, 1-based): chr19:50,278,198, G>A. VCF-style: chr19-50278198-G-A. GRCh37 (hg19) VCF-style: chr19-50781455-G-A.
Other names: c.3842G>A, p.Arg1281His (NM_001077186.2); c.3818G>A, p.Arg1273His (NM_024729.4); c.3941G>A (NM_001145809.1); short protein forms R1273H, R1281H, R1314H.
Identifiers: ClinVar variation 2506058 (VCV002506058.3), dbSNP rs375213477, ClinGen allele CA9593378.

ClinVar aggregate classification (germline): Uncertain significance. Review status: criteria provided, multiple submitters, no conflicts (2 of 4 stars). 2 submissions from 2 submitters: Uncertain significance (2). Last evaluated 2025-08-28.

Conditions:
MYH14-related disorder. Also called: MYH14-related condition.

Allele frequency attached by ClinVar (database versions not stated): ExAC 0.00001; gnomAD exomes 0.00001; gnomAD 0.00002; TOPMed 0.00002.
gnomAD v4.1: 21 of 1,609,710 alleles (0.0013%); highest among the groups gnomAD compares: Middle Eastern, 0.069%; no homozygotes.

Submissions (2):

Women's Health and Genetics/Laboratory Corporation of America, LabCorp
Classification: Uncertain significance. Last evaluated: 2025-08-28. Review status: criteria provided, single submitter. Criteria: LabCorp Variant Classification Summary - May 2015. Collection method: clinical testing. Allele origin: germline.
Comment: Variant summary: MYH14 c.3818G>A (p.Arg1273His) results in a non-conservative amino acid change located in the myosin tail domain (IPR002928) of the encoded protein sequence. Algorithms developed to predict the effect of missense changes on protein structure and function are either unavailable or do not agree on the potential impact of this missense change. The variant allele was found at a frequency of 1.7e-05 in 240514 control chromosomes. The available data on variant occurrences in the general population are insufficient to allow any conclusion about variant significance. To our knowledge, no occurrence of c.3818G>A in individuals affected with MYH14-related conditions and no experimental evidence demonstrating its impact on protein function have been reported. ClinVar contains an entry for this variant (Variation ID: 2506058). Based on the evidence outlined above, the variant was classified as uncertain significance.

PreventionGenetics, part of Exact Sciences
Classification: Uncertain significance for MYH14-related condition. Last evaluated: 2025-07-08. Review status: criteria provided, single submitter. Criteria: ACMG Guidelines, 2015. Collection method: clinical testing. Allele origin: germline.
Comment: The MYH14 c.3941G>A variant is predicted to result in the amino acid substitution p.Arg1314His. To our knowledge, this variant has not been reported in the literature. This variant is reported in 0.0069% of alleles in individuals of African descent in gnomAD. At this time, the clinical significance of this variant is uncertain due to the absence of conclusive functional and genetic evidence.